The following is an entry in ClinVar:

ClinVar aggregate classification (germline): Uncertain significance (1 of 4 stars; one submission).

Submission:

GeneDx
Classification: Uncertain significance. Last evaluated: 2022-04-19. Review status: criteria provided, single submitter. Criteria: GeneDx Variant Classification Process June 2021. Collection method: clinical testing. Allele origin: germline. Affected: yes.
Comment: Not observed at significant frequency in large population cohorts (gnomAD); In silico analysis supports that this missense variant has a deleterious effect on protein structure/function; Has not been previously published as pathogenic or benign to our knowledge

NM_000142.5(FGFR3):c.1691G>A (p.Arg564Gln)

Gene: FGFR3 (fibroblast growth factor receptor 3; plus strand). Cytogenetic location: 4p16.3.
Variant type: single nucleotide variant.
Coding change: c.1691G>A on transcript NM_000142.5 (MANE Select); coding-DNA position 1691, G replaced by A.
Protein change: p.Arg564Gln; replaces arginine 564 with glutamine.
Molecular consequence: missense variant. On other transcripts: non-coding transcript variant (1).
Genome position (GRCh38, 1-based): chr4:1,805,795, G>A. VCF-style: chr4-1805795-G-A. GRCh37 (hg19) VCF-style: chr4-1807522-G-A.
Other names: c.1697G>A, p.Arg566Gln (NM_001163213.2); c.1694G>A, p.Arg565Gln (NM_001354809.2, NM_001354810.2); c.1355G>A, p.Arg452Gln (NM_022965.4); short protein forms R452Q, R564Q, R565Q, R566Q.
Identifiers: ClinVar variation 1712201 (VCV001712201.2), dbSNP rs2108804412, ClinGen allele CA355981734.